The following is an entry in ClinVar:

ClinVar aggregate classification (germline): Likely pathogenic (1 of 4 stars; one submission).

Submission:

CeGaT Center for Human Genetics Tuebingen
Classification: Likely pathogenic. Last evaluated: 2022-08-01. Review status: criteria provided, single submitter. Criteria: CeGaT Center For Human Genetics Tuebingen Variant Classification Criteria Version 2. Collection method: clinical testing. Allele origin: germline. Affected: yes. Observed: 1 variant allele.
Comment: SLC11A2: PVS1:Strong, PM2

NM_000617.3(SLC11A2):c.157G>T (p.Glu53Ter)

Gene: SLC11A2 (solute carrier family 11 member 2; minus strand). Cytogenetic location: 12q13.12.
Variant type: single nucleotide variant.
Coding change: c.157G>T on transcript NM_000617.3 (MANE Select); coding-DNA position 157, G replaced by T.
Protein change: p.Glu53Ter; replaces glutamic acid 53 with a stop codon.
Molecular consequence: nonsense. On other transcripts: 5 prime UTR variant (2), non-coding transcript variant (10).
Genome position (GRCh38, 1-based): chr12:51,008,502, C>A on the plus strand (G>T on the coding strand, the complement: SLC11A2 is on the minus strand). VCF-style: chr12-51008502-C-A. GRCh37 (hg19) VCF-style: chr12-51402285-C-A.
Other names: c.244G>T, p.Glu82Ter (NM_001174125.2, NM_001379446.1, NM_001379455.1); c.157G>T, p.Glu53Ter (NM_001174126.2, NM_001174127.2, NM_001174128.2 and 5 more transcripts); c.46G>T, p.Glu16Ter (NM_001414748.1, NM_001414747.1); c.-81G>T (NM_001414749.1); c.-322G>T (NM_001414750.1); c.145G>T, p.Glu49Ter (NM_001174130.2, NM_001379448.1); short protein forms E16*, E49*, E53*, E82*.
Identifiers: ClinVar variation 2642996 (VCV002642996.24), dbSNP rs2499379582, ClinGen allele CA384839749.